The following is an entry in ClinVar:

ClinVar aggregate classification (germline): Uncertain significance. Review status: criteria provided, multiple submitters, no conflicts (2 of 4 stars). 2 submissions from 2 submitters: Uncertain significance (2). Last evaluated 2025-11-07.

Conditions:
GPBAR1-related disorder. Also called: GPBAR1-related condition.

Allele frequency attached by ClinVar (database versions not stated): gnomAD exomes 0.00014; ExAC 0.00017; gnomAD 0.00022 and 0.00025; TOPMed 0.00026; ESP Exome Variant Server 0.00032.
gnomAD v4.1: 473 of 1,610,964 alleles (0.029%); highest among the groups gnomAD compares: Non-Finnish European, 0.038%; no homozygotes.

Submissions (2):

PreventionGenetics, part of Exact Sciences
Classification: Uncertain significance for GPBAR1-related condition. Last evaluated: 2025-11-07. Review status: criteria provided, single submitter. Criteria: ACMG Guidelines, 2015. Collection method: clinical testing. Allele origin: germline.
Comment: The GPBAR1 c.442C>T variant is predicted to result in the amino acid substitution p.His148Tyr. To our knowledge, this variant has not been reported in the literature. This variant is reported in 0.024% of alleles in individuals of European (Non-Finnish) descent in gnomAD. At this time, the clinical significance of this variant is uncertain due to the absence of conclusive functional and genetic evidence.

Eurofins Ntd Llc (ga)
Classification: Uncertain significance. Last evaluated: 2018-08-16. Review status: criteria provided, single submitter. Criteria: EGL ClinVar v180209 classification definitions. Collection method: clinical testing. Allele origin: germline. Observed: 3 variant alleles, 3 heterozygotes.

NM_170699.3(GPBAR1):c.442C>T (p.His148Tyr)

Gene: GPBAR1 (G protein-coupled bile acid receptor 1; plus strand). Cytogenetic location: 2q35.
Variant type: single nucleotide variant.
Coding change: c.442C>T on transcript NM_170699.3 (MANE Select); coding-DNA position 442, C replaced by T.
Protein change: p.His148Tyr; replaces histidine 148 with tyrosine.
Molecular consequence: missense variant.
Genome position (GRCh38, 1-based): chr2:218,263,166, C>T. VCF-style: chr2-218263166-C-T. GRCh37 (hg19) VCF-style: chr2-219127889-C-T.
Other names: c.442C>T, p.His148Tyr (NM_001077191.2, NM_001077194.2, NM_001321950.2); c.442C>T (NM_001321950.1); short protein forms H148Y.
Identifiers: ClinVar variation 593420 (VCV000593420.6), dbSNP rs201881617, ClinGen allele CA2102591.